The following is an entry in ClinVar:

NM_004484.4(GPC3):c.103T>G (p.Cys35Gly)

Gene: GPC3 (glypican 3; minus strand). Cytogenetic location: Xq26.2.
Variant type: single nucleotide variant.
Coding change: c.103T>G on transcript NM_004484.4 (MANE Select); coding-DNA position 103, T replaced by G.
Protein change: p.Cys35Gly; replaces cysteine 35 with glycine.
Molecular consequence: missense variant.
Genome position (GRCh38, 1-based): chrX:133,985,347, A>C on the plus strand (T>G on the coding strand, the complement: GPC3 is on the minus strand). VCF-style: chrX-133985347-A-C. GRCh37 (hg19) VCF-style: chrX-133119374-A-C.
Other names: c.103T>G, p.Cys35Gly (NM_001164617.2, NM_001164618.2, NM_001164619.2); short protein forms C35G.
Identifiers: ClinVar variation 2816685 (VCV002816685.3), dbSNP rs2521971294, ClinGen allele CA414707033.

ClinVar aggregate classification (germline): Uncertain significance (1 of 4 stars; one submission).

Conditions:
Wilms tumor 1 (WT1). Also called: Wilms tumor, somatic. Identifiers: Orphanet 654, MedGen CN033288, MONDO:0008679, OMIM 194070.

Submission:

Labcorp Genetics (formerly Invitae), Labcorp
Classification: Uncertain significance for Wilms tumor 1. Last evaluated: 2022-11-25. Review status: criteria provided, single submitter. Criteria: Invitae Variant Classification Sherloc (09022015). Collection method: clinical testing. Allele origin: germline.
Comment: In summary, the available evidence is currently insufficient to determine the role of this variant in disease. Therefore, it has been classified as a Variant of Uncertain Significance. This sequence change replaces cysteine, which is neutral and slightly polar, with glycine, which is neutral and non-polar, at codon 35 of the GPC3 protein (p.Cys35Gly). This variant is not present in population databases (gnomAD no frequency). This variant has not been reported in the literature in individuals affected with GPC3-related conditions. Advanced modeling of protein sequence and biophysical properties (such as structural, functional, and spatial information, amino acid conservation, physicochemical variation, residue mobility, and thermodynamic stability) performed at Invitae indicates that this missense variant is expected to disrupt GPC3 protein function.